The following is an entry in ClinVar:

NM_001039591.3(USP9X):c.4913A>G (p.Glu1638Gly)

Gene: USP9X (ubiquitin specific peptidase 9 X-linked; plus strand). Cytogenetic location: Xp11.4.
Variant type: single nucleotide variant.
Coding change: c.4913A>G on transcript NM_001039591.3 (MANE Select); coding-DNA position 4913, A replaced by G.
Protein change: p.Glu1638Gly; replaces glutamic acid 1638 with glycine.
Molecular consequence: missense variant.
Genome position (GRCh38, 1-based): chrX:41,205,391, A>G. VCF-style: chrX-41205391-A-G. GRCh37 (hg19) VCF-style: chrX-41064644-A-G.
Other names: c.4913A>G, p.Glu1638Gly (NM_001039590.3); c.4928A>G, p.Glu1643Gly (NM_001410748.1, NM_001410749.1); short protein forms E1638G, E1643G.
Identifiers: ClinVar variation 2504705 (VCV002504705.1), dbSNP rs2519336033, ClinGen allele CA412781444.

ClinVar aggregate classification (germline): Uncertain significance (1 of 4 stars; one submission).

Submission:

GeneDx
Classification: Uncertain significance. Last evaluated: 2022-12-12. Review status: criteria provided, single submitter. Criteria: GeneDx Variant Classification Process June 2021. Collection method: clinical testing. Allele origin: germline. Affected: yes.
Comment: Not observed at significant frequency in large population cohorts (gnomAD); In silico analysis supports that this missense variant has a deleterious effect on protein structure/function; Has not been previously published as pathogenic or benign to our knowledge